The following is an entry in ClinVar:

ClinVar aggregate classification (germline): Uncertain significance. Review status: criteria provided, multiple submitters, no conflicts (2 of 4 stars). 2 submissions from 2 submitters: Uncertain significance (2). Last evaluated 2024-11-12.

Conditions:
Inborn genetic diseases. Identifiers: MedGen C0950123, MeSH D030342.
Nephronophthisis 16 (NPHP16). Identifiers: Orphanet 655, MedGen C3809320, MONDO:0014158, OMIM 615382.

gnomAD v4.1: 2 of 1,613,720 alleles (0.00012%); highest among the groups gnomAD compares: Admixed American, 0.0033%; no homozygotes.

Submissions (2):

Ambry Genetics
Classification: Uncertain significance for Inborn genetic diseases. Last evaluated: 2024-11-12. Review status: criteria provided, single submitter. Criteria: Ambry Variant Classification Scheme 2023. Collection method: clinical testing. Allele origin: germline.

Labcorp Genetics (formerly Invitae), Labcorp
Classification: Uncertain significance for Nephronophthisis 16. Last evaluated: 2023-04-23. Review status: criteria provided, single submitter. Criteria: Invitae Variant Classification Sherloc (09022015). Collection method: clinical testing. Allele origin: germline.
Comment: In summary, the available evidence is currently insufficient to determine the role of this variant in disease. Therefore, it has been classified as a Variant of Uncertain Significance. An algorithm developed to predict the effect of missense changes on protein structure and function (PolyPhen-2) suggests that this variant is likely to be disruptive. This variant has not been reported in the literature in individuals affected with ANKS6-related conditions. This variant is not present in population databases (gnomAD no frequency). This sequence change replaces glycine, which is neutral and non-polar, with glutamic acid, which is acidic and polar, at codon 454 of the ANKS6 protein (p.Gly454Glu).

NM_173551.5(ANKS6):c.1361G>A (p.Gly454Glu)

Gene: ANKS6 (ankyrin repeat and sterile alpha motif domain containing 6; minus strand). Cytogenetic location: 9q22.33.
Variant type: single nucleotide variant.
Coding change: c.1361G>A on transcript NM_173551.5 (MANE Select); coding-DNA position 1361, G replaced by A.
Protein change: p.Gly454Glu; replaces glycine 454 with glutamic acid.
Molecular consequence: missense variant.
Genome position (GRCh38, 1-based): chr9:98,780,196, C>T on the plus strand (G>A on the coding strand, the complement: ANKS6 is on the minus strand). VCF-style: chr9-98780196-C-T. GRCh37 (hg19) VCF-style: chr9-101542478-C-T.
Other names: c.1361G>A (NM_173551.3); short protein forms G454E.
Identifiers: ClinVar variation 2916551 (VCV002916551.2), dbSNP rs1159712533, ClinGen allele CA374216020.
Genomic context (GRCh38, chr9:98,780,196, plus strand): 5'-CCAGCCCCCATCTCCCTAGCCCCCAAGCCCCTTTAAGACAGGAAAAGGCAAACCTTCAGT[C>T]CACCCTTGTCATCGGGCAGCACTGGGATGCTCCAGGGCTGTCGGACCTTCGAGTGGGGCA-3'
Protein context (NP_775822.3, residues 444-464): SIPVLPDDKG[Gly454Glu]LKSWWNRMSN